The following is an entry in ClinVar:

ClinVar aggregate classification (germline): Uncertain significance (1 of 4 stars; one submission).

Conditions:
Cystic fibrosis (CF). Also called: MUCOVISCIDOSIS. Identifiers: Orphanet 586, MedGen C0010674, MONDO:0009061, OMIM 219700. Disease mechanism: loss of function.

Allele frequency attached by ClinVar (database versions not stated): TOPMed below 0.00001.

Submission:

Labcorp Genetics (formerly Invitae), Labcorp
Classification: Uncertain significance for Cystic fibrosis. Last evaluated: 2024-08-31. Review status: criteria provided, single submitter. Criteria: Invitae Variant Classification Sherloc (09022015). Collection method: clinical testing. Allele origin: germline.
Comment: This sequence change replaces lysine, which is basic and polar, with glutamic acid, which is acidic and polar, at codon 1060 of the CFTR protein (p.Lys1060Glu). This variant is not present in population databases (gnomAD no frequency). This variant has not been reported in the literature in individuals affected with CFTR-related conditions. ClinVar contains an entry for this variant (Variation ID: 1410754). Invitae Evidence Modeling of protein sequence and biophysical properties (such as structural, functional, and spatial information, amino acid conservation, physicochemical variation, residue mobility, and thermodynamic stability) indicates that this missense variant is expected to disrupt CFTR protein function with a positive predictive value of 80%. In summary, the available evidence is currently insufficient to determine the role of this variant in disease. Therefore, it has been classified as a Variant of Uncertain Significance.

NM_000492.4(CFTR):c.3178A>G (p.Lys1060Glu)

Genes: CFTR (CF transmembrane conductance regulator; plus strand), CFTR-AS2 (CFTR antisense RNA 2; minus strand), LOC111674472 (DNase I hypersensitive sites in introns 16 and 17a of CFTR; plus strand). Cytogenetic location: 7q31.2.
Variant type: single nucleotide variant.
Coding change: c.3178A>G on transcript NM_000492.4 (MANE Select); coding-DNA position 3178, A replaced by G.
Protein change: p.Lys1060Glu; replaces lysine 1060 with glutamic acid.
Molecular consequence: missense variant.
Genome position (GRCh38, 1-based): chr7:117,611,619, A>G. VCF-style: chr7-117611619-A-G. GRCh37 (hg19) VCF-style: chr7-117251673-A-G.
Other names: short protein forms K1060E.
Identifiers: ClinVar variation 1410754 (VCV001410754.5), dbSNP rs1244798983, ClinGen allele CA368991956.